The following is an entry in ClinVar:

ClinVar aggregate classification (germline): Conflicting classifications of pathogenicity. Review status: criteria provided, conflicting classifications (1 of 4 stars). 4 submissions from 4 submitters: Likely pathogenic (1); Uncertain significance (3). Last evaluated 2024-05-01.

Conditions:
Autosomal recessive Alport syndrome (ATS2). Also called: COL4A3-Related Nephropathy; Alport syndrome type 2; ALPORT SYNDROME 2, AUTOSOMAL RECESSIVE; COL4A4 Alport Syndrome and Thin Basement Membrane Nephropathy. Identifiers: Orphanet 63, Orphanet 88919, MedGen C4746745, MONDO:0008762, OMIM 203780.
Hematuria, benign familial, 1 (BFH1). Also called: THIN MEMBRANE NEPHROPATHY. Identifiers: MedGen CN376803, MONDO:0007709, OMIM 141200.

Allele frequency attached by ClinVar (database versions not stated): gnomAD 0.00001; gnomAD exomes 0.00001; TOPMed 0.00001.
gnomAD v4.1: 12 of 1,606,168 alleles (0.00075%); highest among the groups gnomAD compares: Non-Finnish European, 0.001%; no homozygotes.

Submissions (4):

Fulgent Genetics
Classification: Likely pathogenic for Hematuria, benign familial, 1; Autosomal recessive Alport syndrome. Last evaluated: 2024-05-01. Review status: criteria provided, single submitter. Criteria: ACMG Guidelines, 2015. Collection method: clinical testing. Allele origin: germline.

Blueprint Genetics
Classification: Uncertain significance. Last evaluated: 2023-10-02. Review status: criteria provided, single submitter. Criteria: ACMG Guidelines, 2015. Collection method: clinical testing. Allele origin: germline.

CeGaT Center for Human Genetics Tuebingen
Classification: Uncertain significance. Last evaluated: 2022-12-01. Review status: criteria provided, single submitter. Criteria: CeGaT Center For Human Genetics Tuebingen Variant Classification Criteria Version 2. Collection method: clinical testing. Allele origin: germline. Affected: yes. Observed: 1 variant allele.
Comment: COL4A4: PM2, PM3:Supporting

Labcorp Genetics (formerly Invitae), Labcorp
Classification: Uncertain significance. Last evaluated: 2022-01-01. Review status: criteria provided, single submitter. Criteria: Invitae Variant Classification Sherloc (09022015). Collection method: clinical testing. Allele origin: germline.
Comment: This sequence change replaces glycine, which is neutral and non-polar, with valine, which is neutral and non-polar, at codon 1459 of the COL4A4 protein (p.Gly1459Val). This variant is present in population databases (no rsID available, gnomAD 0.002%). This missense change has been observed in individual(s) with Alport syndrome (PMID: 24052634). Advanced modeling of protein sequence and biophysical properties (such as structural, functional, and spatial information, amino acid conservation, physicochemical variation, residue mobility, and thermodynamic stability) performed at Invitae indicates that this missense variant is not expected to disrupt COL4A4 protein function. In summary, the available evidence is currently insufficient to determine the role of this variant in disease. Therefore, it has been classified as a Variant of Uncertain Significance.

Literature cited by the submitters: PubMed 24052634 (cited by Labcorp Genetics (formerly Invitae), Labcorp).

NM_000092.5(COL4A4):c.4376G>T (p.Gly1459Val)

Gene: COL4A4 (collagen type IV alpha 4 chain; minus strand). Cytogenetic location: 2q36.3.
Variant type: single nucleotide variant.
Coding change: c.4376G>T on transcript NM_000092.5 (MANE Select); coding-DNA position 4376, G replaced by T.
Protein change: p.Gly1459Val; replaces glycine 1459 with valine.
Molecular consequence: missense variant.
Genome position (GRCh38, 1-based): chr2:227,010,459, C>A on the plus strand (G>T on the coding strand, the complement: COL4A4 is on the minus strand). VCF-style: chr2-227010459-C-A. GRCh37 (hg19) VCF-style: chr2-227875175-C-A.
Other names: short protein forms G1459V.
Identifiers: ClinVar variation 1879523 (VCV001879523.32), dbSNP rs1287040507, ClinGen allele CA350836277.
Genomic context (GRCh38, chr2:227,010,459, plus strand): 5'-GTGGGCTCCTGGTCCGTCTGACTGTGGAGAACCAGGAGGAAGCCACCGAGGTATCCAGGG[C>A]CAAACCCTTTGGGCCCAGGATCCCCAATGGGACCAGGAGGCCCTGGAGGAACAAAGGAAA-3'
Protein context (NP_000083.3, residues 1449-1469): PIGDPGPKGF[Gly1459Val]PGYLGGFLLV